The following is an entry in ClinVar:

NM_000136.3(FANCC):c.1598_1599insAG (p.Trp533Ter)

Genes: FANCC (FA complementation group C; minus strand), AOPEP (aminopeptidase O (putative); plus strand). Cytogenetic location: 9q22.32.
Variant type: Insertion.
Coding change: c.1598_1599insAG on transcript NM_000136.3 (MANE Select); coding-DNA positions 1598 to 1599, AG inserted.
Protein change: p.Trp533Ter; replaces tryptophan 533 with a stop codon.
Molecular consequence: nonsense.
Genome position: GRCh38 VCF-style: chr9-95101785-C-CCT. GRCh37 (hg19) VCF-style: chr9-97864067-C-CCT.
Other names: c.1598_1599insAG, p.Trp533Ter (NM_001243743.2); short protein forms W533*.
Identifiers: ClinVar variation 929819 (VCV000929819.1), dbSNP rs2071086256, ClinGen allele CA1139661050.

ClinVar aggregate classification (germline): Pathogenic (0 of 4 stars; one submission).

Conditions:
Fanconi anemia complementation group C (FANCC). Also called: Fanconi anemia, group C; FANCC-Related Fanconi Anemia; FANCONI PANCYTOPENIA, TYPE 3; FACC. Identifiers: Orphanet 84, MedGen C3468041, MONDO:0009213, OMIM 227645.

Submission:

Leiden Open Variation Database
Classification: Pathogenic for Fanconi anemia complementation group C. Last evaluated: 2020-02-28. Review status: no assertion criteria provided. Collection method: curation. Allele origin: germline. Affected: yes.
Comment: Curator: Arleen D. Auerbach. Submitter to LOVD: Arleen D. Auerbach.